The following is an entry in ClinVar:

NM_024496.4(IRF2BPL):c.818C>G (p.Pro273Arg)

Gene: IRF2BPL (interferon regulatory factor 2 binding protein like; minus strand). Cytogenetic location: 14q24.3.
Variant type: single nucleotide variant.
Coding change: c.818C>G on transcript NM_024496.4 (MANE Select); coding-DNA position 818, C replaced by G.
Protein change: p.Pro273Arg; replaces proline 273 with arginine.
Molecular consequence: missense variant.
Genome position (GRCh38, 1-based): chr14:77,026,975, G>C on the plus strand (C>G on the coding strand, the complement: IRF2BPL is on the minus strand). VCF-style: chr14-77026975-G-C. GRCh37 (hg19) VCF-style: chr14-77493318-G-C.
Other names: short protein forms P273R.
Identifiers: ClinVar variation 4082832 (VCV004082832.1).
Genomic context (GRCh38, chr14:77,026,975, plus strand): 5'-GGAGCCCCTGGGGGAGCAGGCGTCGGGGGCCCACGGCTGCCCAGGGCGTGGGGAGGGGGT[G>C]GGGGGAGTACCGCAGCGCTGGCCGGGCCGTTAAGCAGCGTCTGCGGTAGCAGGTTGGGGG-3'
Protein context (NP_078772.1, residues 263-283): NGPASAAVLP[Pro273Arg]PPPHALGSRG

ClinVar aggregate classification (germline): Uncertain significance (1 of 4 stars; one submission).

Submission:

GeneDx
Classification: Uncertain significance. Last evaluated: 2025-03-10. Review status: criteria provided, single submitter. Criteria: GeneDx Variant Classification Process June 2021. Collection method: clinical testing. Allele origin: germline. Affected: yes.
Comment: Not observed at significant frequency in large population cohorts (gnomAD); In silico analysis indicates that this missense variant does not alter protein structure/function; Has not been previously published as pathogenic or benign to our knowledge